The following is an entry in ClinVar:

NM_000391.4(TPP1):c.791_796dup (p.Gly265_Arg266insGlnGly)

Gene: TPP1 (tripeptidyl peptidase 1; minus strand). Cytogenetic location: 11p15.4.
Variant type: Duplication.
Coding change: c.791_796dup on transcript NM_000391.4 (MANE Select); coding-DNA positions 791 to 796, 6 bases duplicated (AGGGCC; older notation c.791_796dupAGGGCC).
Protein change: p.Gly265_Arg266insGlnGly.
Molecular consequence: inframe insertion.
Genome position (GRCh38, 1-based): chr11:6,616,751-6,616,756, GGCCCT duplicated on the plus strand (AGGGCC on the coding strand, the reverse complement: TPP1 is on the minus strand); duplicating any 6 consecutive bases within chr11:6,616,751-6,616,757 gives the same sequence; the c. name uses the placement nearest the transcript's 3' end. VCF-style (leftmost placement, unchanged base first): chr11-6616750-C-CGGCCCT. GRCh37 (hg19) VCF-style: chr11-6637981-C-CGGCCCT.
Identifiers: ClinVar variation 5004465 (VCV005004465.1).

ClinVar aggregate classification (germline): Uncertain significance (1 of 4 stars; one submission).

Conditions:
Neuronal ceroid lipofuscinosis 2. Also called: JANSKY-BIELSCHOWSKY DISEASE NEURONAL CEROID LIPOFUSCINOSIS, LATE INFANTILE; TPP1-Related Neuronal Ceroid-Lipofuscinosis. Identifiers: Orphanet 168491, Orphanet 228349, Orphanet 79264, MedGen C1876161, MONDO:0008769, OMIM 204500.

Submission:

Myriad Genetics, Inc.
Classification: Uncertain significance for Neuronal ceroid lipofuscinosis 2. Last evaluated: 2026-02-25. Review status: criteria provided, single submitter. Criteria: Myriad Autosomal Dominant, Autosomal Recessive and X-Linked Classification Criteria (2023). Collection method: clinical testing. Allele origin: unknown.
Comment: NM_000391.3(TPP1):c.791_796dup6(Q264_G265dup) is an in-frame insertion classified as a variant of uncertain significance in the context of TPP1-related neuronal ceroid lipofuscinosis. Q264_G265dup has not been observed in cases with relevant disease. Relevant functional assessments of this variant are not available in the literature. Q264_G265dup has not been observed in referenced population frequency databases. In summary, there is insufficient evidence to classify NM_000391.3(TPP1):c.791_796dup6(Q264_G265dup) as pathogenic or benign. Please note: this variant was assessed in the context of healthy population screening.